The following is an entry in ClinVar:

ClinVar aggregate classification (germline): Uncertain significance (1 of 4 stars; one submission).

Conditions:
GTP cyclohydrolase I deficiency. Identifiers: MedGen C0268467, MONDO:0100184.
Dystonia 5 (DRD). Also called: DYT-GCH1; DYSTONIA, PROGRESSIVE, WITH DIURNAL VARIATION; DYSTONIA-PARKINSONISM WITH DIURNAL FLUCTUATION; GTP Cyclohydrolase 1-Deficient Dopa-Responsive Dystonia; Dystonia, DOPA-responsive, with or without hyperphenylalaninemia. Identifiers: Orphanet 98808, MedGen C1851920, MONDO:0007495, OMIM 128230.

Allele frequency attached by ClinVar (database versions not stated): gnomAD exomes below 0.00001.

Submission:

Labcorp Genetics (formerly Invitae), Labcorp
Classification: Uncertain significance for GTP cyclohydrolase I deficiency; Dystonia 5. Last evaluated: 2024-02-15. Review status: criteria provided, single submitter. Criteria: Invitae Variant Classification Sherloc (09022015). Collection method: clinical testing. Allele origin: germline.
Comment: This sequence change replaces methionine, which is neutral and non-polar, with valine, which is neutral and non-polar, at codon 140 of the GCH1 protein (p.Met140Val). This variant is not present in population databases (gnomAD no frequency). This variant has not been reported in the literature in individuals affected with GCH1-related conditions. Advanced modeling of protein sequence and biophysical properties (such as structural, functional, and spatial information, amino acid conservation, physicochemical variation, residue mobility, and thermodynamic stability) performed at Invitae indicates that this missense variant is not expected to disrupt GCH1 protein function with a negative predictive value of 80%. In summary, the available evidence is currently insufficient to determine the role of this variant in disease. Therefore, it has been classified as a Variant of Uncertain Significance.

NM_000161.3(GCH1):c.418A>G (p.Met140Val)

Gene: GCH1 (GTP cyclohydrolase 1; minus strand). Cytogenetic location: 14q22.2.
Variant type: single nucleotide variant.
Coding change: c.418A>G on transcript NM_000161.3 (MANE Select); coding-DNA position 418, A replaced by G.
Protein change: p.Met140Val; replaces methionine 140 with valine.
Molecular consequence: missense variant.
Genome position (GRCh38, 1-based): chr14:54,865,362, T>C on the plus strand (A>G on the coding strand, the complement: GCH1 is on the minus strand). VCF-style: chr14-54865362-T-C. GRCh37 (hg19) VCF-style: chr14-55332080-T-C.
Other names: c.418A>G, p.Met140Val (NM_001024024.2, NM_001024070.2, NM_001024071.2 and 1 more transcripts); c.124A>G, p.Met42Val (NM_001424105.1); short protein forms M42V, M140V.
Identifiers: ClinVar variation 2927553 (VCV002927553.3), dbSNP rs2504412325, ClinGen allele CA389790039.